The following is an entry in ClinVar:

ClinVar aggregate classification (germline): Uncertain significance. Review status: criteria provided, multiple submitters, no conflicts (2 of 4 stars). 3 submissions from 3 submitters: Uncertain significance (2). 1 of the submissions does not count toward it. Last evaluated 2024-01-08.

Conditions:
PCNT-related disorder. Also called: PCNT-related condition.
Inborn genetic diseases. Identifiers: MedGen C0950123, MeSH D030342.

Allele frequency attached by ClinVar (database versions not stated): gnomAD 0.00001; TOPMed 0.00001; gnomAD exomes 0.00002 and 0.00004; ExAC 0.00005.
gnomAD v4.1: 11 of 1,614,030 alleles (0.00068%); highest among the groups gnomAD compares: Admixed American, 0.018%; no homozygotes.

Submissions (3):

Ambry Genetics
Classification: Uncertain significance for Inborn genetic diseases. Last evaluated: 2024-01-08. Review status: criteria provided, single submitter. Criteria: Ambry Variant Classification Scheme 2023. Collection method: clinical testing. Allele origin: germline.

Labcorp Genetics (formerly Invitae), Labcorp
Classification: Uncertain significance. Last evaluated: 2021-10-22. Review status: criteria provided, single submitter. Criteria: Invitae Variant Classification Sherloc (09022015). Collection method: clinical testing. Allele origin: germline.
Comment: This sequence change replaces arginine with glycine at codon 1422 of the PCNT protein (p.Arg1422Gly). The arginine residue is moderately conserved and there is a moderate physicochemical difference between arginine and glycine. This variant is present in population databases (rs752416084, ExAC 0.05%). This variant has not been reported in the literature in individuals affected with PCNT-related conditions. Algorithms developed to predict the effect of missense changes on protein structure and function are either unavailable or do not agree on the potential impact of this missense change (SIFT: "Deleterious"; PolyPhen-2: "Benign"; Align-GVGD: "Class C15"). In summary, the available evidence is currently insufficient to determine the role of this variant in disease. Therefore, it has been classified as a Variant of Uncertain Significance.

PreventionGenetics, part of Exact Sciences
Classification: Uncertain significance for PCNT-related condition. Last evaluated: 2024-01-31. Review status: no assertion criteria provided. Collection method: clinical testing. Allele origin: germline. Not counted in ClinVar's aggregate classification.
Comment: The PCNT c.4264A>G variant is predicted to result in the amino acid substitution p.Arg1422Gly. To our knowledge, this variant has not been reported in the literature. This variant is reported in 0.026% of alleles in individuals of Latino descent in gnomAD. At this time, the clinical significance of this variant is uncertain due to the absence of conclusive functional and genetic evidence.

NM_006031.6(PCNT):c.4264A>G (p.Arg1422Gly)

Gene: PCNT (pericentrin; plus strand). Cytogenetic location: 21q22.3.
Variant type: single nucleotide variant.
Coding change: c.4264A>G on transcript NM_006031.6 (MANE Select); coding-DNA position 4264, A replaced by G.
Protein change: p.Arg1422Gly; replaces arginine 1422 with glycine.
Molecular consequence: missense variant.
Genome position (GRCh38, 1-based): chr21:46,397,312, A>G. VCF-style: chr21-46397312-A-G. GRCh37 (hg19) VCF-style: chr21-47817226-A-G.
Other names: c.3910A>G, p.Arg1304Gly (NM_001315529.2); c.4264A>G (NM_006031.5); short protein forms R1304G, R1422G.
Identifiers: ClinVar variation 1395032 (VCV001395032.6), dbSNP rs752416084, ClinGen allele CA10079592.
Genomic context (GRCh38, chr21:46,397,312, plus strand): 5'-TTTGCATCCTTAGCTCTCCGGAAGGAAGTGGAGGATCTGACCAAAGAACAGTCGGAGACC[A>G]GGAAGCAGGCTGAGAAGGACCGCTCAGCCCTGCTCTCCCAGATGAAGATTTTGGAGTCTG-3'
Protein context (NP_006022.3, residues 1412-1432): EDLTKEQSET[Arg1422Gly]KQAEKDRSAL